The following is an entry in ClinVar:

NM_000276.4(OCRL):c.1514G>A (p.Gly505Glu)

Gene: OCRL (OCRL inositol polyphosphate-5-phosphatase; plus strand). Cytogenetic location: Xq26.1.
Variant type: single nucleotide variant.
Coding change: c.1514G>A on transcript NM_000276.4 (MANE Select); coding-DNA position 1514, G replaced by A.
Protein change: p.Gly505Glu; replaces glycine 505 with glutamic acid.
Molecular consequence: missense variant.
Genome position (GRCh38, 1-based): chrX:129,569,311, G>A. VCF-style: chrX-129569311-G-A. GRCh37 (hg19) VCF-style: chrX-128703288-G-A.
Other names: c.1517G>A, p.Gly506Glu (NM_001318784.2); c.1514G>A, p.Gly505Glu (NM_001587.4); short protein forms G505E, G506E.
Identifiers: ClinVar variation 568253 (VCV000568253.8), dbSNP rs1569460717, ClinGen allele CA414616398.

ClinVar aggregate classification (germline): Uncertain significance (1 of 4 stars; one submission).

Conditions:
Lowe syndrome (OCRL). Also called: PHOSPHATIDYLINOSITOL 4,5-BISPHOSPHATE 5-PHOSPHATASE DEFICIENCY; LOWE OCULOCEREBRORENAL SYNDROME; Oculocerebrorenal Syndrome. Identifiers: Orphanet 534, MedGen C0028860, MONDO:0010645, OMIM 309000.

Submission:

Labcorp Genetics (formerly Invitae), Labcorp
Classification: Uncertain significance for Lowe syndrome. Last evaluated: 2018-04-06. Review status: criteria provided, single submitter. Criteria: Invitae Variant Classification Sherloc (09022015). Collection method: clinical testing. Allele origin: germline.
Comment: This sequence change replaces glycine with glutamic acid at codon 505 of the OCRL protein (p.Gly505Glu). The glycine residue is highly conserved and there is a moderate physicochemical difference between glycine and glutamic acid. This variant is not present in population databases (ExAC no frequency). This variant has not been reported in the literature in individuals with OCRL-related disease. Algorithms developed to predict the effect of missense changes on protein structure and function do not agree on the potential impact of this missense change (SIFT: "Tolerated"; PolyPhen-2: "Probably Damaging"; Align-GVGD: "Class C0"). In summary, the available evidence is currently insufficient to determine the role of this variant in disease. Therefore, it has been classified as a Variant of Uncertain Significance.